The following is an entry in ClinVar:

ClinVar aggregate classification (germline): Likely benign (0 of 4 stars; one submission).

Conditions:
CCDC169-SOHLH2-related disorder. Also called: CCDC169-SOHLH2-related condition.

Allele frequency attached by ClinVar (database versions not stated): gnomAD 0.00011; TOPMed 0.00011; 1000 Genomes Project 30x 0.00016; ExAC 0.00018; 1000 Genomes Project 0.00020.

Submission:

PreventionGenetics, part of Exact Sciences
Classification: Likely benign for CCDC169-SOHLH2-related condition. Last evaluated: 2019-06-07. Review status: no assertion criteria provided. Collection method: clinical testing. Allele origin: germline.
Comment: This variant is classified as likely benign based on ACMG/AMP sequence variant interpretation guidelines (Richards et al. 2015 PMID: 25741868, with internal and published modifications).

NM_001198910.2(CCDC169-SOHLH2):c.495-5C>T

Genes: CCDC169-SOHLH2 (CCDC169-SOHLH2 readthrough; minus strand), SOHLH2 (spermatogenesis and oogenesis specific basic helix-loop-helix 2; minus strand). Cytogenetic location: 13q13.3.
Variant type: single nucleotide variant.
Coding change: c.495-5C>T on transcript NM_001198910.2; 5 bases into the intron before coding-DNA position 495, C replaced by T.
Molecular consequence: intron variant.
Genome position (GRCh38, 1-based): chr13:36,193,872, G>A on the plus strand (C>T on the coding strand, the complement: CCDC169-SOHLH2 is on the minus strand). VCF-style: chr13-36193872-G-A. GRCh37 (hg19) VCF-style: chr13-36768009-G-A.
Other names: c.264-5C>T (NM_017826.3, NM_001282147.2).
Identifiers: ClinVar variation 3044844 (VCV003044844.2), dbSNP rs566602810, ClinGen allele CA6948997.